The following is an entry in ClinVar:

ClinVar aggregate classification (germline): Uncertain significance. Review status: criteria provided, multiple submitters, no conflicts (2 of 4 stars). 3 submissions from 3 submitters: Uncertain significance (3). Last evaluated 2022-08-31.

Conditions:
Complex neurodevelopmental disorder. Identifiers: Orphanet 528084, MedGen C5568766, MONDO:0100038.
Inborn genetic diseases. Identifiers: MedGen C0950123, MeSH D030342.

Allele frequency attached by ClinVar (database versions not stated): gnomAD exomes below 0.00001; ExAC 0.00001; TOPMed 0.00001.

Submissions (3):

Ambry Genetics
Classification: Uncertain significance for Inborn genetic diseases. Last evaluated: 2022-08-31. Review status: criteria provided, single submitter. Criteria: Ambry Variant Classification Scheme 2023. Collection method: clinical testing. Allele origin: germline.

Labcorp Genetics (formerly Invitae), Labcorp
Classification: Uncertain significance. Last evaluated: 2022-06-20. Review status: criteria provided, single submitter. Criteria: Invitae Variant Classification Sherloc (09022015). Collection method: clinical testing. Allele origin: germline.
Comment: Algorithms developed to predict the effect of missense changes on protein structure and function (SIFT, PolyPhen-2, Align-GVGD) all suggest that this variant is likely to be tolerated. In summary, the available evidence is currently insufficient to determine the role of this variant in disease. Therefore, it has been classified as a Variant of Uncertain Significance. This variant has not been reported in the literature in individuals affected with AP2M1-related conditions. This variant is present in population databases (rs774293277, gnomAD 0.003%). This sequence change replaces valine, which is neutral and non-polar, with isoleucine, which is neutral and non-polar, at codon 58 of the AP2M1 protein (p.Val58Ile).

Department of Pathology and Laboratory Medicine, Sinai Health System
Classification: Uncertain significance for complex neurodevelopmental disorder. Last evaluated: 2020-06-09. Review status: criteria provided, single submitter. Criteria: ACMG Guidelines, 2015. Collection method: research. Allele origin: germline.

NM_004068.4(AP2M1):c.172G>A (p.Val58Ile)

Gene: AP2M1 (adaptor related protein complex 2 subunit mu 1; plus strand). Cytogenetic location: 3q27.1.
Variant type: single nucleotide variant.
Coding change: c.172G>A on transcript NM_004068.4 (MANE Select); coding-DNA position 172, G replaced by A.
Protein change: p.Val58Ile; replaces valine 58 with isoleucine.
Molecular consequence: missense variant.
Genome position (GRCh38, 1-based): chr3:184,178,954, G>A. VCF-style: chr3-184178954-G-A. GRCh37 (hg19) VCF-style: chr3-183896742-G-A.
Other names: c.172G>A, p.Val58Ile (NM_001025205.2); c.247G>A, p.Val83Ile (NM_001311198.2); c.172G>A (NM_004068.3); short protein forms V83I, V58I.
Identifiers: ClinVar variation 1355069 (VCV001355069.8), dbSNP rs774293277, ClinGen allele CA2727665.